The following is an entry in ClinVar:

NM_001371596.2(MFSD8):c.440-2A>T

Gene: MFSD8 (major facilitator superfamily domain containing 8; minus strand). Cytogenetic location: 4q28.2.
Variant type: single nucleotide variant.
Coding change: c.440-2A>T on transcript NM_001371596.2 (MANE Select); the canonical splice acceptor site of the intron before coding-DNA position 440, A replaced by T.
Molecular consequence: splice acceptor variant. On other transcripts: intron variant (4).
Genome position (GRCh38, 1-based): chr4:127,942,160, T>A on the plus strand (A>T on the coding strand, the complement: MFSD8 is on the minus strand). VCF-style: chr4-127942160-T-A. GRCh37 (hg19) VCF-style: chr4-128863315-T-A.
Other names: c.305-2A>T (NM_001371595.1, NM_001371590.2); c.304+1592A>T (NM_001410765.1); c.440-2A>T (NM_152778.4, NM_001363520.3, NM_001371594.2 and 2 more transcripts); c.439+1592A>T (NM_001363521.3, NM_001410766.1, NM_001371593.2).
Identifiers: ClinVar variation 464778 (VCV000464778.10), dbSNP rs751696703, ClinGen allele CA3077461.

ClinVar aggregate classification (germline): Likely pathogenic. Review status: criteria provided, multiple submitters, no conflicts (2 of 4 stars). 2 submissions from 2 submitters: Likely pathogenic (2). Last evaluated 2024-10-10.

Conditions:
Neuronal ceroid lipofuscinosis. Also called: Neuronal Ceroid Lipofuscinoses. Identifiers: Orphanet 216, Orphanet 79263, MedGen C0027877, MONDO:0016295. Disease mechanism: loss of function.
Neuronal ceroid lipofuscinosis 7 (CLN7). Also called: MFSD8-Related Neuronal Ceroid-Lipofuscinosis. Identifiers: Orphanet 168491, Orphanet 228366, MedGen C1838571, MONDO:0012588, OMIM 610951.

Allele frequency attached by ClinVar (database versions not stated): gnomAD exomes below 0.00001; ExAC 0.00002.
gnomAD v4.1: 1 of 1,600,770 alleles (0.000062%); highest among the groups gnomAD compares: Non-Finnish European, 0.000086%; no homozygotes.

Submissions (2):

Women's Health and Genetics/Laboratory Corporation of America, LabCorp
Classification: Likely pathogenic for Neuronal ceroid lipofuscinosis. Last evaluated: 2024-10-10. Review status: criteria provided, single submitter. Criteria: LabCorp Variant Classification Summary - May 2015. Collection method: clinical testing. Allele origin: germline.
Comment: Variant summary: MFSD8 c.440-2A>T is located in a canonical splice-site and is predicted to affect mRNA splicing resulting in a significantly altered protein due to either exon skipping, shortening, or inclusion of intronic material. Variants that disrupt the consensus splice site are a relatively common cause of aberrant splicing and loss of MFSD8 function. Several computational tools predict a significant impact on normal splicing: Four predict the variant abolishes a 3' acceptor site. However, these predictions have yet to be confirmed by functional studies. The variant was absent in 251156 control chromosomes (gnomAD). c.440-2A>T has been reported in the literature in at least an individual affected with Neuronal Ceroid-Lipofuscinosis (Batten Disease) (example: Row_2022). To our knowledge, no experimental evidence demonstrating an impact on protein function has been reported. The following publications have been ascertained in the context of this evaluation (PMID: 31440721, 36374771). ClinVar contains an entry for this variant (Variation ID: 464778). Based on the evidence outlined above, the variant was classified as likely pathogenic.

Labcorp Genetics (formerly Invitae), Labcorp
Classification: Likely pathogenic for Neuronal ceroid lipofuscinosis 7. Last evaluated: 2018-09-14. Review status: criteria provided, single submitter. Criteria: Invitae Variant Classification Sherloc (09022015). Collection method: clinical testing. Allele origin: germline.
Comment: In summary, the currently available evidence indicates that the variant is pathogenic, but additional data are needed to prove that conclusively. Therefore, this variant has been classified as Likely Pathogenic. Donor and acceptor splice site variants typically lead to a loss of protein function (PMID: 16199547), and loss-of-function variants in MFSD8 are known to be pathogenic (PMID: 19177532). Algorithms developed to predict the effect of sequence changes on RNA splicing suggest that this variant may disrupt the consensus splice site, but this prediction has not been confirmed by published transcriptional studies. This variant has not been reported in the literature in individuals with MFSD8-related disease. ClinVar contains an entry for this variant (Variation ID: 464778). The frequency data for this variant in the population databases is considered unreliable, as metrics indicate poor data quality at this position in the ExAC database. This sequence change affects an acceptor splice site in intron 5 of the MFSD8 gene. It is expected to disrupt RNA splicing and likely results in an absent or disrupted protein product.

Literature cited by the submitters: PubMed 31440721 (cited by Women's Health and Genetics/Laboratory Corporation of America, LabCorp); PubMed 36374771 (cited by Women's Health and Genetics/Laboratory Corporation of America, LabCorp); PubMed 16199547 (cited by Labcorp Genetics (formerly Invitae), Labcorp); PubMed 19177532 (cited by Labcorp Genetics (formerly Invitae), Labcorp).